The following is an entry in ClinVar:

NM_000059.4(BRCA2):c.5879_5883del (p.Cys1960fs)

Gene: BRCA2 (BRCA2 DNA repair associated; plus strand). Cytogenetic location: 13q13.1.
Variant type: Deletion.
Coding change: c.5879_5883del on transcript NM_000059.4 (MANE Select); coding-DNA positions 5879 to 5883, 5 bases deleted (GTAGT; older notation c.5879_5883delGTAGT).
Protein change: p.Cys1960fs; shifts the reading frame from cysteine 1960.
Molecular consequence: frameshift variant. On other transcripts: non-coding transcript variant (1), intron variant (2).
Genome position (GRCh38, 1-based): chr13:32,340,234-32,340,238, GTAGT deleted; deleting any 5 consecutive bases within chr13:32,340,233-32,340,238 gives the same sequence; the c. name uses the placement nearest the transcript's 3' end. VCF-style (leftmost placement, unchanged base first): chr13-32340232-ATGTAG-A. GRCh37 (hg19) VCF-style: chr13-32914369-ATGTAG-A.
Other names: c.5879_5883del, p.Cys1960fs (NM_001406719.1, NM_001406720.1); c.1910-4324_1910-4320del (NM_001406721.1); c.425-4324_425-4320del (NM_001406722.1); short protein forms C1960fs.
Identifiers: ClinVar variation 2674002 (VCV002674002.5), dbSNP rs2548531991, ClinGen allele CA2695199719.

ClinVar aggregate classification (germline): Pathogenic. Review status: criteria provided, multiple submitters, no conflicts (2 of 4 stars). 3 submissions from 3 submitters: Pathogenic (3). Last evaluated 2024-07-23.

Conditions:
Breast-ovarian cancer, familial, susceptibility to, 2 (BROVCA2). Also called: BRCA2 Hereditary Breast and Ovarian Cancer. Identifiers: Orphanet 145, MedGen C2675520, MONDO:0012933, OMIM 612555. Disease mechanism: loss of function.
Hereditary cancer-predisposing syndrome. Also called: Tumor predisposition; Neoplastic Syndromes, Hereditary; Hereditary Cancer Syndrome; Hereditary neoplastic syndrome. Identifiers: Orphanet 140162, MedGen C0027672, MeSH D009386, MONDO:0015356.
Hereditary breast ovarian cancer syndrome. Also called: Hereditary breast and/or ovarian cancer syndrome; Hereditary breast and ovarian cancer syndrome (HBOC); Breast and ovarian cancer; Hereditary breast and ovarian cancer syndrome; Hereditary breast and ovarian cancer; BRCA1- and BRCA2-Associated Hereditary Breast and Ovarian Cancer. Identifiers: Orphanet 145, MedGen C0677776, MeSH D061325, MONDO:0003582. Disease mechanism: loss of function.

Submissions (3):

Ambry Genetics
Classification: Pathogenic for Hereditary cancer-predisposing syndrome. Last evaluated: 2024-07-23. Review status: criteria provided, single submitter. Criteria: Ambry Variant Classification Scheme 2023. Collection method: clinical testing. Allele origin: germline.
Comment: The c.5879_5883delGTAGT pathogenic mutation, located in coding exon 10 of the BRCA2 gene, results from a deletion of 5 nucleotides at nucleotide positions 5879 to 5883, causing a translational frameshift with a predicted alternate stop codon (p.C1960Yfs*6). This variant is considered to be rare based on population cohorts in the Genome Aggregation Database (gnomAD). This alteration is expected to result in loss of function by premature protein truncation or nonsense-mediated mRNA decay. As such, this alteration is interpreted as a disease-causing mutation.

Myriad Genetics, Inc.
Classification: Pathogenic for Breast-ovarian cancer, familial, susceptibility to, 2. Last evaluated: 2023-11-07. Review status: criteria provided, single submitter. Criteria: Myriad Autosomal Dominant, Autosomal Recessive and X-Linked Classification Criteria (2023). Collection method: clinical testing. Allele origin: unknown.
Comment: This variant is considered pathogenic. This variant creates a frameshift predicted to result in premature protein truncation.

Labcorp Genetics (formerly Invitae), Labcorp
Classification: Pathogenic for Hereditary breast ovarian cancer syndrome. Last evaluated: 2023-08-28. Review status: criteria provided, single submitter. Criteria: Invitae Variant Classification Sherloc (09022015). Collection method: clinical testing. Allele origin: germline.
Comment: This variant has not been reported in the literature in individuals affected with BRCA2-related conditions. This variant is not present in population databases (gnomAD no frequency). This sequence change creates a premature translational stop signal (p.Cys1960Tyrfs*6) in the BRCA2 gene. It is expected to result in an absent or disrupted protein product. Loss-of-function variants in BRCA2 are known to be pathogenic (PMID: 20104584). For these reasons, this variant has been classified as Pathogenic.

Literature cited by the submitters: PubMed 20104584 (cited by Labcorp Genetics (formerly Invitae), Labcorp).